The following is an entry in ClinVar:

NM_012082.4(ZFPM2):c.787C>T (p.Arg263Trp)

Genes: ZFPM2 (zinc finger protein, FOG family member 2; plus strand), ZFPM2-AS1 (ZFPM2 antisense RNA 1; minus strand). Cytogenetic location: 8q23.1.
Variant type: single nucleotide variant.
Coding change: c.787C>T on transcript NM_012082.4 (MANE Select); coding-DNA position 787, C replaced by T.
Protein change: p.Arg263Trp; replaces arginine 263 with tryptophan.
Molecular consequence: missense variant.
Genome position (GRCh38, 1-based): chr8:105,798,771, C>T. VCF-style: chr8-105798771-C-T. GRCh37 (hg19) VCF-style: chr8-106810999-C-T.
Other names: c.628C>T, p.Arg210Trp (NM_001362836.2); c.391C>T, p.Arg131Trp (NM_001362837.2); short protein forms R263W, R131W, R210W.
Identifiers: ClinVar variation 2916290 (VCV002916290.3), dbSNP rs748284620, ClinGen allele CA4839636.

ClinVar aggregate classification (germline): Uncertain significance (1 of 4 stars; one submission).

Conditions:
46,XY sex reversal 9 (SRXY9). Also called: 46,XY SEX REVERSAL, ZFPM2-RELATED. Identifiers: Orphanet 251510, MedGen C4015129, MONDO:0014480, OMIM 616067.

Allele frequency attached by ClinVar (database versions not stated): gnomAD 0.00001; ExAC 0.00002; TOPMed 0.00002.

Submission:

Labcorp Genetics (formerly Invitae), Labcorp
Classification: Uncertain significance for 46,XY sex reversal 9. Last evaluated: 2023-01-09. Review status: criteria provided, single submitter. Criteria: Invitae Variant Classification Sherloc (09022015). Collection method: clinical testing. Allele origin: germline.
Comment: In summary, the available evidence is currently insufficient to determine the role of this variant in disease. Therefore, it has been classified as a Variant of Uncertain Significance. Algorithms developed to predict the effect of missense changes on protein structure and function are either unavailable or do not agree on the potential impact of this missense change (SIFT: "Deleterious"; PolyPhen-2: "Probably Damaging"; Align-GVGD: "Class C0"). This variant has not been reported in the literature in individuals affected with ZFPM2-related conditions. This variant is present in population databases (rs748284620, gnomAD 0.004%). This sequence change replaces arginine, which is basic and polar, with tryptophan, which is neutral and slightly polar, at codon 263 of the ZFPM2 protein (p.Arg263Trp).